The following is an entry in ClinVar:

NM_203290.4(POLR1C):c.903G>C (p.Arg301=)

Gene: POLR1C (RNA polymerase I and III subunit C; plus strand). Cytogenetic location: 6p21.1.
Variant type: single nucleotide variant.
Coding change: c.903G>C on transcript NM_203290.4 (MANE Select); coding-DNA position 903, G replaced by C.
Protein change: p.Arg301=; no amino-acid change (arginine 301 retained).
Molecular consequence: synonymous variant.
Genome position (GRCh38, 1-based): chr6:43,521,029, G>C. VCF-style: chr6-43521029-G-C. GRCh37 (hg19) VCF-style: chr6-43488767-G-C.
Other names: c.903G>C, p.Arg301= (NM_001318876.2, NM_001363658.2).
Identifiers: ClinVar variation 3061520 (VCV003061520.2), dbSNP rs1395777722, ClinGen allele CA450291741.
Genomic context (GRCh38, chr6:43,521,029, plus strand): 5'-TACCTTCAGCAGAGAAATCTTCCGGAATGAGAAGCTAAAGAAGGTTGTGAGGCTTGCCCG[G>C]GTTCGAGATCATTATATCTGTGAGTATGAAGTGGTGAGATGAGTGGGCAGTGCTCTTTGG-3'
Protein context (NP_976035.1, residues 291-311): EKLKKVVRLA[Arg301=]VRDHYIFSVE

ClinVar aggregate classification (germline): Likely benign (0 of 4 stars; one submission).

Conditions:
POLR1C-related disorder. Also called: POLR1C-related disorders; POLR1C-related condition. Identifiers: MedGen CN239394, MONDO:0700278.

Allele frequency attached by ClinVar (database versions not stated): gnomAD 0.00001.
gnomAD v4.1: 3 of 1,613,884 alleles (0.00019%); highest among the groups gnomAD compares: South Asian, 0.0022%; no homozygotes.

Submission:

PreventionGenetics, part of Exact Sciences
Classification: Likely benign for POLR1C-related condition. Last evaluated: 2021-06-02. Review status: no assertion criteria provided. Collection method: clinical testing. Allele origin: germline.
Comment: This variant is classified as likely benign based on ACMG/AMP sequence variant interpretation guidelines (Richards et al. 2015 PMID: 25741868, with internal and published modifications).